The following is an entry in ClinVar:

NM_001366686.3(SIK3):c.3432G>A (p.Glu1144=)

Gene: SIK3 (SIK family kinase 3; minus strand). Cytogenetic location: 11q23.3.
Variant type: single nucleotide variant.
Coding change: c.3432G>A on transcript NM_001366686.3 (MANE Select); coding-DNA position 3432, G replaced by A.
Protein change: p.Glu1144=; no amino-acid change (glutamic acid 1144 retained).
Molecular consequence: synonymous variant.
Genome position (GRCh38, 1-based): chr11:116,858,033, C>T on the plus strand (G>A on the coding strand, the complement: SIK3 is on the minus strand). VCF-style: chr11-116858033-C-T. GRCh37 (hg19) VCF-style: chr11-116728749-C-T.
Other names: c.2631G>A, p.Glu877= (NM_001281748.3); c.3108G>A, p.Glu1036= (NM_001281749.3); c.3288G>A, p.Glu1096= (NM_025164.6).
Identifiers: ClinVar variation 4822993 (VCV004822993.4).

ClinVar aggregate classification (germline): Likely benign (1 of 4 stars; one submission).

gnomAD v4.1: 27 of 1,613,750 alleles (0.0017%); highest among the groups gnomAD compares: Admixed American, 0.043%; no homozygotes.

Submission:

CeGaT Center for Human Genetics Tuebingen
Classification: Likely benign. Last evaluated: 2026-01-01. Review status: criteria provided, single submitter. Criteria: CeGaT Center For Human Genetics Tuebingen Variant Classification Criteria Version 2. Collection method: clinical testing. Allele origin: germline. Affected: yes. Observed: 1 variant allele.
Comment: SIK3: BP4, BP7